The following is an entry in ClinVar:

NM_003872.3(NRP2):c.1000C>T (p.Arg334Cys)

Gene: NRP2 (neuropilin 2; plus strand). Cytogenetic location: 2q33.3.
Variant type: single nucleotide variant.
Coding change: c.1000C>T on transcript NM_003872.3 (MANE Select); coding-DNA position 1000, C replaced by T.
Protein change: p.Arg334Cys; replaces arginine 334 with cysteine.
Molecular consequence: missense variant.
Genome position (GRCh38, 1-based): chr2:205,727,900, C>T. VCF-style: chr2-205727900-C-T. GRCh37 (hg19) VCF-style: chr2-206592624-C-T.
Other names: c.1000C>T, p.Arg334Cys (NM_018534.4, NM_201264.2, NM_201266.2 and 2 more transcripts); short protein forms R334C.
Identifiers: ClinVar variation 279574 (VCV000279574.7), dbSNP rs114144673, ClinGen allele CA2068988.

ClinVar aggregate classification (germline): Conflicting classifications of pathogenicity. Review status: criteria provided, conflicting classifications (1 of 4 stars). 3 submissions from 3 submitters: Uncertain significance (1); Likely benign (1). 1 of the submissions does not count toward it. Last evaluated 2025-12-23.

Conditions:
NRP2-related disorder. Also called: NRP2-related condition.
Hirschsprung disease, susceptibility to, 1 (HSCR1). Also called: RET-Related Hirschsprung Disease. Identifiers: Orphanet 388, MedGen C3888239, MONDO:0007723, OMIM 142623.

Allele frequency attached by ClinVar (database versions not stated): 1000 Genomes Project 0.00040; 1000 Genomes Project 30x 0.00047; TOPMed 0.00140; ESP Exome Variant Server 0.00161; gnomAD 0.00178 and 0.00186.

Submissions (3):

PreventionGenetics, part of Exact Sciences
Classification: Likely benign for NRP2-related condition. Last evaluated: 2025-12-23. Review status: criteria provided, single submitter. Criteria: ACMG Guidelines, 2015. Collection method: clinical testing. Allele origin: germline.
Comment: This variant is classified as likely benign based on ACMG/AMP sequence variant interpretation guidelines (Richards et al. 2015 PMID: 25741868, with internal and published modifications).

Breakthrough Genomics
Classification: Uncertain significance. Review status: criteria provided, single submitter. Criteria: ACMG Guidelines, 2015. Collection method: not provided. Allele origin: germline. Inheritance: Unknown mechanism. Affected: yes.

Clinical Genetics, Erasmus University Medical Center
Classification: Uncertain significance for Hirschsprung disease, susceptibility to, 1. Last evaluated: 2016-11-18. Review status: no assertion criteria provided. Collection method: clinical testing. Allele origin: paternal. Inheritance: Oligogenic inheritance. Affected: yes. Observed: 1 variant allele, 1 heterozygote. Not counted in ClinVar's aggregate classification.